The following is an entry in ClinVar:

ClinVar aggregate classification (germline): Uncertain significance. Review status: criteria provided, multiple submitters, no conflicts (2 of 4 stars). 4 submissions from 4 submitters: Uncertain significance (4). Last evaluated 2024-02-23.

Conditions:
Joubert syndrome 21 (JBTS21). Identifiers: MedGen C3810212, MONDO:0014288, OMIM 615636.
Inborn genetic diseases. Identifiers: MedGen C0950123, MeSH D030342.

Allele frequency attached by ClinVar (database versions not stated): gnomAD exomes 0.00003 and 0.00010; gnomAD 0.00004; ExAC 0.00005; TOPMed 0.00005; ESP Exome Variant Server 0.00017.
gnomAD v4.1: 146 of 1,554,970 alleles (0.0094%); highest among the groups gnomAD compares: Non-Finnish European, 0.012%; no homozygotes.

Submissions (4):

Ambry Genetics
Classification: Uncertain significance for Inborn genetic diseases. Last evaluated: 2024-02-23. Review status: criteria provided, single submitter. Criteria: Ambry Variant Classification Scheme 2023. Collection method: clinical testing. Allele origin: germline.

Blueprint Genetics
Classification: Uncertain significance. Last evaluated: 2024-02-02. Review status: criteria provided, single submitter. Criteria: ACMG Guidelines, 2015. Collection method: clinical testing. Allele origin: germline.

GeneDx
Classification: Uncertain significance. Last evaluated: 2023-04-07. Review status: criteria provided, single submitter. Criteria: GeneDx Variant Classification Process June 2021. Collection method: clinical testing. Allele origin: germline. Affected: yes.
Comment: Not observed at significant frequency in large population cohorts (gnomAD); In silico analysis supports that this missense variant has a deleterious effect on protein structure/function; Has not been previously published as pathogenic or benign to our knowledge

Labcorp Genetics (formerly Invitae), Labcorp
Classification: Uncertain significance for Joubert syndrome 21. Last evaluated: 2021-08-26. Review status: criteria provided, single submitter. Criteria: Invitae Variant Classification Sherloc (09022015). Collection method: clinical testing. Allele origin: germline.
Comment: This sequence change replaces leucine with phenylalanine at codon 656 of the CSPP1 protein (p.Leu656Phe). The leucine residue is highly conserved and there is a small physicochemical difference between leucine and phenylalanine. This variant is present in population databases (rs374318063, ExAC 0.009%). This variant has not been reported in the literature in individuals affected with CSPP1-related conditions. Algorithms developed to predict the effect of missense changes on protein structure and function are either unavailable or do not agree on the potential impact of this missense change (SIFT: "Deleterious"; PolyPhen-2: "Probably Damaging"; Align-GVGD: "Class C0"). In summary, the available evidence is currently insufficient to determine the role of this variant in disease. Therefore, it has been classified as a Variant of Uncertain Significance.

NM_001382391.1(CSPP1):c.1983G>C (p.Leu661Phe)

Gene: CSPP1 (centrosome and spindle pole associated protein 1; plus strand). Cytogenetic location: 8q13.2.
Variant type: single nucleotide variant.
Coding change: c.1983G>C on transcript NM_001382391.1 (MANE Select); coding-DNA position 1983, G replaced by C.
Protein change: p.Leu661Phe; replaces leucine 661 with phenylalanine.
Molecular consequence: missense variant. On other transcripts: intron variant (3).
Genome position (GRCh38, 1-based): chr8:67,149,790, G>C. VCF-style: chr8-67149790-G-C. GRCh37 (hg19) VCF-style: chr8-68062025-G-C.
Other names: c.1902G>C, p.Leu634Phe (NM_001363131.2); c.2049G>C, p.Leu683Phe (NM_001364869.1); c.1869G>C, p.Leu623Phe (NM_001364870.1); c.1968G>C, p.Leu656Phe (NM_024790.7); c.1934-4234G>C (NM_001363132.2); c.1853-4234G>C (NM_001363133.2); c.1079-4234G>C (NM_001291339.2); short protein forms L656F, L683F, L623F, L634F, L661F.
Identifiers: ClinVar variation 575666 (VCV000575666.8), dbSNP rs374318063, ClinGen allele CA4770715.